The following is an entry in ClinVar:

ClinVar aggregate classification (germline): Conflicting classifications of pathogenicity. Review status: criteria provided, conflicting classifications (1 of 4 stars). 5 submissions from 5 submitters: Uncertain significance (1); Likely benign (2). 2 of the submissions do not count toward it. Last evaluated 2025-07-15.

Conditions:
Kugelberg-Welander disease (SMA3). Also called: KUGELBERG-WELANDER SYNDROME; MUSCULAR ATROPHY, JUVENILE; Juvenile Spinal Muscular Atrophy; SMA III; SPINAL MUSCULAR ATROPHY, MILD CHILDHOOD AND ADOLESCENT FORM; SPINAL MUSCULAR ATROPHY, TYPE III. Identifiers: Orphanet 70, Orphanet 83419, MedGen C0152109, MONDO:0009672, OMIM 253400.
Spinal muscular atrophy, modifier of.

Allele frequency attached by ClinVar (database versions not stated): 1000 Genomes Project 30x 0.00094; 1000 Genomes Project 0.00100; gnomAD exomes 0.00318 and 0.00332; gnomAD 0.00224 and 0.00208; ExAC 0.00344.
gnomAD v4.1: 4,583 of 1,464,442 alleles (0.31%); highest among the groups gnomAD compares: Middle Eastern, 1.5%; 942 homozygotes.

Submissions (5):

Women's Health and Genetics/Laboratory Corporation of America, LabCorp
Classification: Likely benign. Last evaluated: 2025-07-15. Review status: criteria provided, single submitter. Criteria: LabCorp Variant Classification Summary - May 2015. Collection method: clinical testing. Allele origin: germline.
Comment: Variant summary: SMN2 c.859G>C (p.Gly287Arg) results in a non-conservative amino acid change in the encoded protein sequence. Algorithms developed to predict the effect of missense changes on protein structure and function all suggest that this variant is likely to be disruptive. Consensus agreement among computation tools predict no significant impact on normal splicing. However, these predictions have yet to be confirmed by functional studies. The variant allele was found at a frequency of 0.0031 in 1464442 control chromosomes in the gnomAD database, including 942 homozygotes. The observed variant frequency exceeds the estimated maximal expected allele frequency for a pathogenic variant in SMN2 causing Spinal Muscular Atrophy phenotype. c.859G>C has been described previously to have protective effects in patients with Spinal Muscular Atrophy. This variant, similar to increased copy numbers of SMN2 gene have been correlated with a milder form of disease (e.g. Bernal_2010, Prior_2009). At least one publication reports a significant increase of exon 7 inclusion from 50% to 70% (Prior_2009), which is in agreement with the reported protective effects. The following publications have been ascertained in the context of this evaluation (PMID: 20577007, 19716110). ClinVar contains an entry for this variant (Variation ID: 7962). Based on the evidence outlined above, the variant was classified as likely benign.

Department of Pathology and Laboratory Medicine, Sinai Health System
Classification: Uncertain significance for Kugelberg-Welander disease. Last evaluated: 2023-10-19. Review status: criteria provided, single submitter. Criteria: ACMG Guidelines, 2015. Collection method: research. Allele origin: germline.

Victorian Clinical Genetics Services, Murdoch Childrens Research Institute
Classification: Likely benign for Kugelberg-Welander disease. Last evaluated: 2019-08-28. Review status: criteria provided, single submitter. Criteria: ACMG Guidelines, 2015. Collection method: clinical testing. Allele origin: germline. Inheritance: Autosomal recessive inheritance.
Comment: A heterozygous missense variant, NM_017411.3(SMN2):c.859G>C, has been identified in exon 8 of 9 of the SMN2 gene. The variant is predicted to result in a major amino acid change from a glycine to an arginine at position 287 of the protein, NP_059107.1(SMN2):p.(Gly287Arg). The glycine residue at this position has low conservation (100 vertebrates, UCSC), but is not located within a well established functional domain. In silico predictions of pathogenicity for this variant are conflicting (Polyphen, SIFT, CADD, Mutation Taster). The variant is present in the gnomAD database at a frequency of 0.32% (519 heterozygous, 140 homozygous). The variant has previously been described to have protective effects in patients with spinal muscular atrophy, whereby a milder form of disease was associated with the presence of this variant in one or two copies of SMN2 (ClinVar, Prior, T., et al. (2009), Bernal, C., et al. (2010), Calucho, M. et al. (2018)). Functional analysis in cells expressing this variant demonstrated a restoration of normal full length transcript to approximately 70% of levels present in SMN1 (Prior, T., et al. (2009)). Based on the information available at the time of curation, this variant has been classified as LIKELY BENIGN.

OMIM
Classification: risk factor for SPINAL MUSCULAR ATROPHY, MODIFIER OF. Last evaluated: 2009-09-01. Review status: no assertion criteria provided. Collection method: literature only. Allele origin: germline. Not counted in ClinVar's aggregate classification.

GeneReviews
No classification provided. Condition: Kugelberg-Welander disease. Review status: no classification provided. Collection method: literature only. Allele origin: germline. Not counted in ClinVar's aggregate classification.

Literature cited by the submitters: PubMed 20577007 (cited by Women's Health and Genetics/Laboratory Corporation of America, LabCorp); PubMed 19716110 (cited by 3 submitters); NCBI Bookshelf NBK1352 (cited by GeneReviews).

NM_017411.4(SMN2):c.859G>C (p.Gly287Arg)

Gene: SMN2 (survival of motor neuron 2, centromeric). Cytogenetic location: 5q13.2.
Variant type: single nucleotide variant.
Coding change: c.859G>C on transcript NM_017411.4 (MANE Select); coding-DNA position 859, G replaced by C.
Protein change: p.Gly287Arg; replaces glycine 287 with arginine.
Molecular consequence: missense variant. On other transcripts: intron variant (2).
Genome position (GRCh38, 1-based): chr5:70,076,545, G>C. VCF-style: chr5-70076545-G-C. GRCh37 (hg19) VCF-style: chr5-69372372-G-C.
Other names: c.763G>C, p.Gly255Arg (NM_022876.2); c.739-474G>C (NM_022877.2); c.835-474G>C (NM_022875.3); short protein forms G287R, G255R.
Identifiers: ClinVar variation 7962 (VCV000007962.88), dbSNP rs121909192, ClinGen allele CA119187.
Genomic context (GRCh38, chr5:70,076,545, plus strand): 5'-AGCTATTTTTTTTAACTTCCTTTATTTTCCTTACAGGGTTTTAGACAAAATCAAAAAGAA[G>C]GAAGGTGCTCACATTCCTTAAATTAAGGAGTAAGTCTGCCAGCATTATGAAAGTGAATCT-3'
Protein context (NP_059107.1, residues 277-294): YMGFRQNQKE[Gly287Arg]RCSHSLN